The following is an entry in ClinVar:

NM_181332.3(NLGN4X):c.734C>A (p.Pro245His)

Gene: NLGN4X (neuroligin 4 X-linked; minus strand). Cytogenetic location: Xp22.32.
Variant type: single nucleotide variant.
Coding change: c.734C>A on transcript NM_181332.3 (MANE Select); coding-DNA position 734, C replaced by A.
Protein change: p.Pro245His; replaces proline 245 with histidine.
Molecular consequence: missense variant.
Genome position (GRCh38, 1-based): chrX:5,909,131, G>T on the plus strand (C>A on the coding strand, the complement: NLGN4X is on the minus strand). VCF-style: chrX-5909131-G-T. GRCh37 (hg19) VCF-style: chrX-5827172-G-T.
Other names: c.734C>A, p.Pro245His (NM_001282145.2, NM_001282146.2, NM_001441322.1 and 4 more transcripts); short protein forms P245H.
Identifiers: ClinVar variation 4626197 (VCV004626197.1).

ClinVar aggregate classification (germline): Uncertain significance (1 of 4 stars; one submission).

Conditions:
Inborn genetic diseases. Identifiers: MedGen C0950123, MeSH D030342.

gnomAD v4.1: 3 of 1,209,219 alleles (0.00025%); highest among the groups gnomAD compares: Non-Finnish European, 0.00034%; no homozygotes.

Submission:

Ambry Genetics
Classification: Uncertain significance for Inborn genetic diseases. Last evaluated: 2025-11-03. Review status: criteria provided, single submitter. Criteria: Ambry Variant Classification Scheme 2023. Collection method: clinical testing. Allele origin: germline.
Comment: The c.734C>A (p.P245H) alteration is located in exon 4 (coding exon 3) of the NLGN4X gene. This alteration results from a C to A substitution at nucleotide position 734, causing the proline (P) at amino acid position 245 to be replaced by a histidine (H). Based on data from gnomAD, the A allele has an overall frequency of <0.001% (1/183398) total alleles studied. The highest observed frequency was 0.001% (1/81872) of European (non-Finnish) alleles. Based on insufficient or conflicting evidence, the clinical significance of this alteration remains unclear.